The following is an entry in ClinVar:

ClinVar aggregate classification (germline): Likely benign (1 of 4 stars; one submission).

Allele frequency attached by ClinVar (database versions not stated): gnomAD exomes 0.00193; ExAC 0.00360; gnomAD 0.01375 and 0.01485; TOPMed 0.01570; 1000 Genomes Project 0.01797; 1000 Genomes Project 30x 0.01811.
gnomAD v4.1: 2,398 of 448,860 alleles (0.53%); highest among the groups gnomAD compares: African/African-American, 4.6%; 61 homozygotes.

Submission:

GeneDx
Classification: Likely benign. Last evaluated: 2018-06-19. Review status: criteria provided, single submitter. Criteria: GeneDx Variant Classification (06012015). Collection method: clinical testing. Allele origin: germline. Affected: yes.
Comment: This variant is considered likely benign or benign based on one or more of the following criteria: it is a conservative change, it occurs at a poorly conserved position in the protein, it is predicted to be benign by multiple in silico algorithms, and/or has population frequency not consistent with disease.

NM_000426.4(LAMA2):c.6269-282G>A

Gene: LAMA2 (laminin subunit alpha 2; plus strand). Cytogenetic location: 6q22.33.
Variant type: single nucleotide variant.
Coding change: c.6269-282G>A on transcript NM_000426.4 (MANE Select); 282 bases into the intron before coding-DNA position 6269, G replaced by A.
Molecular consequence: intron variant.
Genome position (GRCh38, 1-based): chr6:129,442,781, G>A. VCF-style: chr6-129442781-G-A. GRCh37 (hg19) VCF-style: chr6-129763926-G-A.
Other names: c.6269-282G>A (NM_001079823.2).
Identifiers: ClinVar variation 674206 (VCV000674206.1), dbSNP rs57450570, ClinGen allele CA3994181.